The following is an entry in ClinVar:

NM_000501.4(ELN):c.278C>G (p.Pro93Arg)

Gene: ELN (elastin; plus strand). Cytogenetic location: 7q11.23.
Variant type: single nucleotide variant.
Coding change: c.278C>G on transcript NM_000501.4 (MANE Select); coding-DNA position 278, C replaced by G.
Protein change: p.Pro93Arg; replaces proline 93 with arginine.
Molecular consequence: missense variant.
Genome position (GRCh38, 1-based): chr7:74,042,659, C>G. VCF-style: chr7-74042659-C-G. GRCh37 (hg19) VCF-style: chr7-73456989-C-G.
Other names: c.248C>G, p.Pro83Arg (NM_001081752.3, NM_001278914.2, NM_001278917.2 and 1 more transcripts); c.278C>G, p.Pro93Arg (NM_001081753.3, NM_001081754.3, NM_001081755.3 and 4 more transcripts); c.242C>G, p.Pro81Arg (NM_001278913.2); short protein forms P81R, P83R, P93R.
Identifiers: ClinVar variation 3626251 (VCV003626251.3).

ClinVar aggregate classification (germline): Conflicting classifications of pathogenicity. Review status: criteria provided, conflicting classifications (1 of 4 stars). 2 submissions from 2 submitters: Uncertain significance (1); Likely benign (1). Last evaluated 2024-07-23.

Conditions:
Supravalvar aortic stenosis (SVAS). Also called: Supravalvar aortic stenosis, Eisenberg type. Identifiers: Orphanet 3193, MedGen C0003499, MONDO:0008504, OMIM 185500, HP:0004381.

gnomAD v4.1: 10 of 1,613,560 alleles (0.00062%); highest among the groups gnomAD compares: Non-Finnish European, 0.00085%; no homozygotes.

Submissions (2):

Labcorp Genetics (formerly Invitae), Labcorp
Classification: Uncertain significance for Supravalvar aortic stenosis. Last evaluated: 2024-07-23. Review status: criteria provided, single submitter. Criteria: Invitae Variant Classification Sherloc (09022015). Collection method: clinical testing. Allele origin: germline.
Comment: This sequence change replaces proline, which is neutral and non-polar, with arginine, which is basic and polar, at codon 93 of the ELN protein (p.Pro93Arg). This variant is present in population databases (rs181019457, gnomAD 0.004%). This variant has not been reported in the literature in individuals affected with ELN-related conditions. Advanced modeling of protein sequence and biophysical properties (such as structural, functional, and spatial information, amino acid conservation, physicochemical variation, residue mobility, and thermodynamic stability) performed at Invitae indicates that this missense variant is not expected to disrupt ELN protein function with a negative predictive value of 80%. In summary, the available evidence is currently insufficient to determine the role of this variant in disease. Therefore, it has been classified as a Variant of Uncertain Significance.

Blueprint Genetics
Classification: Likely benign. Last evaluated: 2023-06-26. Review status: criteria provided, single submitter. Criteria: ACMG Guidelines, 2015. Collection method: clinical testing. Allele origin: germline.